The following is an entry in ClinVar:

NM_001170629.2(CHD8):c.6442A>G (p.Arg2148Gly)

Gene: CHD8 (chromodomain helicase DNA binding protein 8; minus strand). Cytogenetic location: 14q11.2.
Variant type: single nucleotide variant.
Coding change: c.6442A>G on transcript NM_001170629.2 (MANE Select); coding-DNA position 6442, A replaced by G.
Protein change: p.Arg2148Gly; replaces arginine 2148 with glycine.
Molecular consequence: missense variant.
Genome position (GRCh38, 1-based): chr14:21,393,132, T>C on the plus strand (A>G on the coding strand, the complement: CHD8 is on the minus strand). VCF-style: chr14-21393132-T-C. GRCh37 (hg19) VCF-style: chr14-21861291-T-C.
Other names: c.5605A>G, p.Arg1869Gly (NM_020920.4); short protein forms R1869G, R2148G.
Identifiers: ClinVar variation 3364513 (VCV003364513.1).

ClinVar aggregate classification (germline): Uncertain significance (1 of 4 stars; one submission).

Submission:

GeneDx
Classification: Uncertain significance. Last evaluated: 2023-11-17. Review status: criteria provided, single submitter. Criteria: GeneDx Variant Classification Process June 2021. Collection method: clinical testing. Allele origin: germline. Affected: yes.
Comment: Not observed at significant frequency in large population cohorts (gnomAD); In silico analysis supports that this missense variant does not alter protein structure/function; Has not been previously published as pathogenic or benign to our knowledge